The following is an entry in ClinVar:

NM_007294.4(BRCA1):c.5024C>A (p.Thr1675Asn)

Gene: BRCA1 (BRCA1 DNA repair associated; minus strand). Cytogenetic location: 17q21.31.
Variant type: single nucleotide variant.
Coding change: c.5024C>A on transcript NM_007294.4 (MANE Select); coding-DNA position 5024, C replaced by A.
Protein change: p.Thr1675Asn; replaces threonine 1675 with asparagine.
Molecular consequence: missense variant. On other transcripts: non-coding transcript variant (1).
Genome position (GRCh38, 1-based): chr17:43,067,658, G>T on the plus strand (C>A on the coding strand, the complement: BRCA1 is on the minus strand). VCF-style: chr17-43067658-G-T. GRCh37 (hg19) VCF-style: chr17-41219675-G-T.
Other names: c.1712C>A, p.Thr571Asn (NM_001407982.1, NM_001407983.1, NM_001407984.1 and 13 more transcripts); c.1709C>A, p.Thr570Asn (NM_001408402.1, NM_001408403.1, NM_001408404.1 and 8 more transcripts); c.1706C>A, p.Thr569Asn (NM_001408406.1, NM_001408407.1, NM_001408408.1); c.1703C>A, p.Thr568Asn (NM_001408409.1); c.1640C>A, p.Thr547Asn (NM_001408410.1); c.1637C>A, p.Thr546Asn (NM_001408411.1); c.1595C>A, p.Thr532Asn (NM_001408423.1, NM_001408424.1, NM_001408421.1 and 1 more transcripts); c.1592C>A, p.Thr531Asn (NM_001408425.1, NM_001408426.1, NM_001408427.1 and 4 more transcripts); and 70 more; short protein forms T1628N, T1696N, T571N, T1675N, T1379N, T1506N, T1548N, T1563N.
Identifiers: ClinVar variation 867547 (VCV000867547.3), dbSNP rs150729791, ClinGen allele CA10591466.

Conditions:
Breast-ovarian cancer, familial, susceptibility to, 1 (BROVCA1). Also called: BRCA1 Hereditary Breast and Ovarian Cancer; OVARIAN CANCER, SUSCEPTIBILITY TO. Identifiers: Orphanet 145, MedGen C2676676, MONDO:0011450, OMIM 604370. Disease mechanism: loss of function.

Submission:

Brotman Baty Institute, University of Washington
No classification provided (evidence only). Condition: Breast-ovarian cancer, familial 1. Review status: no classification provided. Collection method: in vitro. Allele origin: not applicable. Functional consequence: functionally_normal.
ClinVar note: "not provided" was previously submitted as the classification for the variant. However, the classification appeared to be based only on an observation of functional data so it was converted to no classification on 2025-07-30.